The following is an entry in ClinVar:

NM_000051.4(ATM):c.8236A>G (p.Arg2746Gly)

Genes: ATM (ATM serine/threonine kinase; plus strand), C11orf65 (chromosome 11 open reading frame 65; minus strand). Cytogenetic location: 11q22.3.
Variant type: single nucleotide variant.
Coding change: c.8236A>G on transcript NM_000051.4 (MANE Select); coding-DNA position 8236, A replaced by G.
Protein change: p.Arg2746Gly; replaces arginine 2746 with glycine.
Molecular consequence: missense variant. On other transcripts: intron variant (2).
Genome position (GRCh38, 1-based): chr11:108,335,929, A>G. VCF-style: chr11-108335929-A-G. GRCh37 (hg19) VCF-style: chr11-108206656-A-G.
Other names: c.8236A>G, p.Arg2746Gly (NM_001351834.2); c.641-26858T>C (NM_001330368.2); c.695-637T>C (NM_001351110.2); short protein forms R2746G.
Identifiers: ClinVar variation 1366838 (VCV001366838.8), dbSNP rs2136698373, ClinGen allele CA382562635.
Genomic context (GRCh38, chr11:108,335,929, plus strand): 5'-GCTGTCATGCAACAGGTCTTCCAGATGTGTAATACATTACTGCAGAGAAACACGGAAACT[A>G]GGAAGAGGAAATTAACTATCTGTACTTATAAGGTAACTATTTGTACTTCTGTTAGTTCAC-3'
Protein context (NP_000042.3, residues 2736-2756): NTLLQRNTET[Arg2746Gly]KRKLTICTYK

ClinVar aggregate classification (germline): Uncertain significance (1 of 4 stars; one submission).

Conditions:
Ataxia-telangiectasia syndrome (AT). Also called: Ataxia-telangiectasia; LOUIS-BAR SYNDROME; Ataxia-telangiectasia, complementation group D; AT, COMPLEMENTATION GROUP C; ATAXIA-TELANGIECTASIA, COMPLEMENTATION GROUP A; ATAXIA-TELANGIECTASIA, FRESNO VARIANT. Identifiers: Orphanet 100, MedGen C0004135, MONDO:0008840, OMIM 208900.

Submission:

Labcorp Genetics (formerly Invitae), Labcorp
Classification: Uncertain significance for Ataxia-telangiectasia syndrome. Last evaluated: 2021-03-23. Review status: criteria provided, single submitter. Criteria: Invitae Variant Classification Sherloc (09022015). Collection method: clinical testing. Allele origin: germline.
Comment: In summary, the available evidence is currently insufficient to determine the role of this variant in disease. Therefore, it has been classified as a Variant of Uncertain Significance. This sequence change replaces arginine with glycine at codon 2746 of the ATM protein (p.Arg2746Gly). The arginine residue is highly conserved and there is a moderate physicochemical difference between arginine and glycine. This variant is not present in population databases (ExAC no frequency). This variant has not been reported in the literature in individuals with ATM-related conditions. Advanced modeling of protein sequence and biophysical properties (such as structural, functional, and spatial information, amino acid conservation, physicochemical variation, residue mobility, and thermodynamic stability) performed at Invitae indicates that this missense variant is expected to disrupt ATM protein function.